The following is an entry in ClinVar:

ClinVar aggregate classification (germline): Uncertain significance (1 of 4 stars; one submission).

Allele frequency attached by ClinVar (database versions not stated): gnomAD exomes below 0.00001.
gnomAD v4.1: 1 of 1,614,070 alleles (0.000062%); highest among the groups gnomAD compares: South Asian, 0.0011%; no homozygotes.

Submission:

Ambry Genetics
Classification: Uncertain significance. Last evaluated: 2021-08-03. Review status: criteria provided, single submitter. Criteria: Ambry Variant Classification Scheme 2023. Collection method: clinical testing. Allele origin: germline.
Comment: The p.T1366I variant (also known as c.4097C>T), located in coding exon 17 of the NPAT gene, results from a C to T substitution at nucleotide position 4097. The threonine at codon 1366 is replaced by isoleucine, an amino acid with similar properties. This amino acid position is conserved. In addition, this alteration is predicted to be tolerated by in silico analysis. Since supporting evidence is limited at this time, the clinical significance of this alteration remains unclear.

NM_002519.3(NPAT):c.4097C>T (p.Thr1366Ile)

Gene: NPAT (nuclear protein, coactivator of histone transcription; minus strand). Cytogenetic location: 11q22.3.
Variant type: single nucleotide variant.
Coding change: c.4097C>T on transcript NM_002519.3 (MANE Select); coding-DNA position 4097, C replaced by T.
Protein change: p.Thr1366Ile; replaces threonine 1366 with isoleucine.
Molecular consequence: missense variant.
Genome position (GRCh38, 1-based): chr11:108,160,989, G>A on the plus strand (C>T on the coding strand, the complement: NPAT is on the minus strand). VCF-style: chr11-108160989-G-A. GRCh37 (hg19) VCF-style: chr11-108031716-G-A.
Other names: c.4118C>T, p.Thr1373Ile (NM_001321307.1); short protein forms T1373I, T1366I.
Identifiers: ClinVar variation 1737781 (VCV001737781.2), dbSNP rs2496693279, ClinGen allele CA382509377.